The following is an entry in ClinVar:

ClinVar aggregate classification (germline): Likely pathogenic (1 of 4 stars; one submission).

Conditions:
Cerebrooculofacioskeletal syndrome 1 (COFS1). Also called: Cerebro-oculo-facio-skeletal syndrome 1. Identifiers: MedGen C0220722, MONDO:0008955, OMIM 214150.
Cockayne syndrome type 2 (CSB). Also called: COCKAYNE SYNDROME B; Cockayne Syndrome, Type II. Identifiers: Orphanet 191, Orphanet 90322, MedGen C0751038, MONDO:0019570, OMIM 133540.
Premature ovarian failure 11 (POF11). Identifiers: MedGen C4310783, MONDO:0014843, OMIM 616946.
Age related macular degeneration 5. Identifiers: MedGen C3151063, MONDO:0013409, OMIM 613761.
Lung cancer. Also called: Malignant tumor of lung; Lung cancer, somatic. Identifiers: MedGen C0242379, MONDO:0008903, OMIM 211980.
UV-sensitive syndrome 1 (UVSS1). Identifiers: Orphanet 178338, MedGen C3551173, MONDO:0010909, OMIM 600630.
DE SANCTIS-CACCHIONE SYNDROME. Identifiers: MedGen C0265201, MONDO:0010217, OMIM 278800.

Submission:

Juno Genomics, Hangzhou Juno Genomics, Inc
Classification: Likely pathogenic for UV-sensitive syndrome 1; DE SANCTIS-CACCHIONE SYNDROME; Lung cancer; Age related macular degeneration 5; Cerebrooculofacioskeletal syndrome 1; Cockayne syndrome type 2; Premature ovarian failure 11. Review status: criteria provided, single submitter. Criteria: ACMG Guidelines, 2015. Collection method: clinical testing. Allele origin: germline.
Comment: Null variant in a gene where loss of function (LOF) is a known mechanism of disease.;Absent from controls (or at extremely low frequency if recessive) in Genome Aggregation Database.

NM_000124.4(ERCC6):c.973G>T (p.Glu325Ter)

Gene: ERCC6 (ERCC excision repair 6, chromatin remodeling factor; minus strand). Cytogenetic location: 10q11.23.
Variant type: single nucleotide variant.
Coding change: c.973G>T on transcript NM_000124.4 (MANE Select); coding-DNA position 973, G replaced by T.
Protein change: p.Glu325Ter; replaces glutamic acid 325 with a stop codon.
Molecular consequence: nonsense.
Genome position (GRCh38, 1-based): chr10:49,524,457, C>A on the plus strand (G>T on the coding strand, the complement: ERCC6 is on the minus strand). VCF-style: chr10-49524457-C-A. GRCh37 (hg19) VCF-style: chr10-50732503-C-A.
Other names: c.973G>T, p.Glu325Ter (NM_001277058.2, NM_001277059.2, NM_001346440.2); short protein forms E325*.
Identifiers: ClinVar variation 5007716 (VCV005007716.2).